The following is an entry in ClinVar:

NM_025243.4(SLC19A3):c.1406A>T (p.Asp469Val)

Gene: SLC19A3 (solute carrier family 19 member 3; minus strand). Cytogenetic location: 2q36.3.
Variant type: single nucleotide variant.
Coding change: c.1406A>T on transcript NM_025243.4 (MANE Select); coding-DNA position 1406, A replaced by T.
Protein change: p.Asp469Val; replaces aspartic acid 469 with valine.
Molecular consequence: missense variant.
Genome position (GRCh38, 1-based): chr2:227,687,482, T>A on the plus strand (A>T on the coding strand, the complement: SLC19A3 is on the minus strand). VCF-style: chr2-227687482-T-A. GRCh37 (hg19) VCF-style: chr2-228552198-T-A.
Other names: c.1406A>T, p.Asp469Val (NM_001371411.1, NM_001371412.1); c.1394A>T, p.Asp465Val (NM_001371413.1, NM_001371414.1); short protein forms D465V, D469V.
Identifiers: ClinVar variation 1470007 (VCV001470007.6), dbSNP rs1373661310, ClinGen allele CA350875110.

ClinVar aggregate classification (germline): Uncertain significance (1 of 4 stars; one submission).

Conditions:
Biotin-responsive basal ganglia disease (BTBGD). Also called: Thiamine metabolism dysfunction syndrome 2 (biotin- or thiamine-responsive encephalopathy type 2); thiamine-responsive encephalopathy; Thiamine metabolism dysfunction syndrome type 2; THIAMINE METABOLISM DYSFUNCTION SYNDROME 2 (BIOTIN- AND THIAMINE-RESPONSIVE TYPE); Thiamine Transporter-2 Deficiency. Identifiers: Orphanet 199348, Orphanet 65284, MedGen C1843807, MONDO:0011841, OMIM 607483.

Allele frequency attached by ClinVar (database versions not stated): TOPMed below 0.00001; gnomAD 0.00001.
gnomAD v4.1: 1 of 1,614,038 alleles (0.000062%); highest among the groups gnomAD compares: African/African-American, 0.0013%; no homozygotes.

Submission:

Labcorp Genetics (formerly Invitae), Labcorp
Classification: Uncertain significance for Biotin-responsive basal ganglia disease. Last evaluated: 2021-08-27. Review status: criteria provided, single submitter. Criteria: Invitae Variant Classification Sherloc (09022015). Collection method: clinical testing. Allele origin: germline.
Comment: In summary, the available evidence is currently insufficient to determine the role of this variant in disease. Therefore, it has been classified as a Variant of Uncertain Significance. Advanced modeling of protein sequence and biophysical properties (such as structural, functional, and spatial information, amino acid conservation, physicochemical variation, residue mobility, and thermodynamic stability) performed at Invitae indicates that this missense variant is not expected to disrupt SLC19A3 protein function. This variant has not been reported in the literature in individuals affected with SLC19A3-related conditions. This variant is not present in population databases (ExAC no frequency). This sequence change replaces aspartic acid with valine at codon 469 of the SLC19A3 protein (p.Asp469Val). The aspartic acid residue is weakly conserved and there is a large physicochemical difference between aspartic acid and valine.